The following is an entry in ClinVar:

NM_000089.4(COL1A2):c.3632T>C (p.Ile1211Thr)

Gene: COL1A2 (collagen type I alpha 2 chain; plus strand). Cytogenetic location: 7q21.3.
Variant type: single nucleotide variant.
Coding change: c.3632T>C on transcript NM_000089.4 (MANE Select); coding-DNA position 3632, T replaced by C.
Protein change: p.Ile1211Thr; replaces isoleucine 1211 with threonine.
Molecular consequence: missense variant.
Genome position (GRCh38, 1-based): chr7:94,428,398, T>C. VCF-style: chr7-94428398-T-C. GRCh37 (hg19) VCF-style: chr7-94057710-T-C.
Other names: p.Ile1211Thr; short protein forms I1211T.
Identifiers: ClinVar variation 360970 (VCV000360970.26), dbSNP rs201746779, ClinGen allele CA4347804.

ClinVar aggregate classification (germline): Uncertain significance. Review status: criteria provided, multiple submitters, no conflicts (2 of 4 stars). 8 submissions from 7 submitters: Uncertain significance (8). Last evaluated 2026-04-13.

Conditions:
Osteogenesis imperfecta type I (OI1). Also called: Lobstein disease; OI, TYPE I; OSTEOGENESIS IMPERFECTA TARDA; OSTEOGENESIS IMPERFECTA WITH BLUE SCLERAE; Classic Non-deforming Osteogenesis Imperfecta with Blue Sclerae; Osteogenesis imperfecta type 1. Identifiers: Orphanet 216796, Orphanet 666, MedGen C0023931, MONDO:0008146, OMIM 166200. Disease mechanism: loss of function.
Ehlers-Danlos syndrome, classic type, 1 (EDSCL1). Also called: EHLERS-DANLOS SYNDROME, GRAVIS TYPE; EHLERS-DANLOS SYNDROME, SEVERE CLASSIC TYPE; Ehlers-Danlos Syndrome, Classic Type, COL5A1-Related; EDS I; Ehlers-Danlos syndrome, type 1. Identifiers: MedGen C0268335, MONDO:0019567, OMIM 130000.
Osteogenesis imperfecta (OI). Identifiers: Orphanet 666, MedGen C0029434, MeSH D010013, MONDO:0019019.
Ehlers-Danlos syndrome, arthrochalasia type, 2. Also called: EHLERS-DANLOS SYNDROME, TYPE VIIB, AUTOSOMAL DOMINANT. Identifiers: MedGen CN293783, MONDO:0040501, OMIM 617821.
Cardiovascular phenotype. Identifiers: MedGen CN230736.

Allele frequency attached by ClinVar (database versions not stated): 1000 Genomes Project 0.00060; ExAC 0.00004; gnomAD exomes 0.00007 and 0.00005; TOPMed 0.00008; 1000 Genomes Project 30x 0.00031; gnomAD 0.00006.
gnomAD v4.1: 102 of 1,614,072 alleles (0.0063%); highest among the groups gnomAD compares: Admixed American, 0.015%; no homozygotes.

Submissions (8):

Women's Health and Genetics/Laboratory Corporation of America, LabCorp
Classification: Uncertain significance. Last evaluated: 2026-04-13. Review status: criteria provided, single submitter. Criteria: LabCorp Variant Classification Summary - May 2015. Collection method: clinical testing. Allele origin: germline.
Comment: Variant summary: COL1A2 c.3632T>C (p.Ile1211Thr) results in a non-conservative amino acid change in the encoded protein sequence. Algorithms developed to predict the effect of missense changes on protein structure and function are either unavailable or do not agree on the potential impact of this missense change. The variant allele was found at a frequency of 4.8e-05 in 251160 control chromosomes. This frequency is not significantly higher than estimated for disease-causing variants in COL1A2, allowing no conclusion about variant significance. To our knowledge, no occurrence of c.3632T>C in individuals affected with COL1A2-related conditions and no experimental evidence demonstrating its impact on protein function have been reported. ClinVar contains an entry for this variant (Variation ID: 360970). Based on the evidence outlined above, the variant was classified as uncertain significance.

Labcorp Genetics (formerly Invitae), Labcorp
Classification: Uncertain significance for Osteogenesis imperfecta type I; Ehlers-Danlos syndrome, classic type, 1. Last evaluated: 2025-12-09. Review status: criteria provided, single submitter. Criteria: Invitae Variant Classification Sherloc (09022015). Collection method: clinical testing. Allele origin: germline.
Comment: This sequence change replaces isoleucine, which is neutral and non-polar, with threonine, which is neutral and polar, at codon 1211 of the COL1A2 protein (p.Ile1211Thr). This variant is present in population databases (rs201746779, gnomAD 0.02%). This variant has not been reported in the literature in individuals affected with COL1A2-related conditions. ClinVar contains an entry for this variant (Variation ID: 360970). Invitae Evidence Modeling of protein sequence and biophysical properties (such as structural, functional, and spatial information, amino acid conservation, physicochemical variation, residue mobility, and thermodynamic stability) indicates that this missense variant is not expected to disrupt COL1A2 protein function with a negative predictive value of 95%. In summary, the available evidence is currently insufficient to determine the role of this variant in disease. Therefore, it has been classified as a Variant of Uncertain Significance.

Mayo Clinic Laboratories, Mayo Clinic
Classification: Uncertain significance. Last evaluated: 2025-10-10. Review status: criteria provided, single submitter. Criteria: ACMG Guidelines, 2015. Collection method: clinical testing. Allele origin: germline. Observed: 1 variant allele.
Comment: BS1

Ambry Genetics
Classification: Uncertain significance for Cardiovascular phenotype. Last evaluated: 2025-08-01. Review status: criteria provided, single submitter. Criteria: Ambry Variant Classification Scheme 2023. Collection method: clinical testing. Allele origin: germline.
Comment: The p.I1211T variant (also known as c.3632T>C), located in coding exon 50 of the COL1A2 gene, results from a T to C substitution at nucleotide position 3632. The isoleucine at codon 1211 is replaced by threonine, an amino acid with similar properties. This amino acid position is not well conserved in available vertebrate species. In addition, the in silico prediction for this alteration is inconclusive. Based on the available evidence, the clinical significance of this variant remains unclear.

GeneDx
Classification: Uncertain significance. Last evaluated: 2021-12-28. Review status: criteria provided, single submitter. Criteria: GeneDx Variant Classification Process June 2021. Collection method: clinical testing. Allele origin: germline. Affected: yes.
Comment: In silico analysis supports that this missense variant has a deleterious effect on protein structure/function; Not located in the triple helical region, where the majority of pathogenic missense variants occur (Stenson et al., 2014); Has not been previously published as pathogenic or benign to our knowledge; Reported in ClinVar (ClinVar Variant ID# 360970; Landrum et al., 2016)

Illumina Laboratory Services, Illumina
Classification: Uncertain significance for Osteogenesis imperfecta. Last evaluated: 2018-01-13. Review status: criteria provided, single submitter. Criteria: ICSL Variant Classification Criteria 13 December 2019. Collection method: clinical testing. Allele origin: germline.

Illumina Laboratory Services, Illumina
Classification: Uncertain significance for Ehlers-Danlos syndrome, arthrochalasia type, 2. Last evaluated: 2018-01-13. Review status: criteria provided, single submitter. Criteria: ICSL Variant Classification Criteria 13 December 2019. Collection method: clinical testing. Allele origin: germline.

Breakthrough Genomics
Classification: Uncertain significance. Review status: criteria provided, single submitter. Criteria: ACMG Guidelines, 2015. Collection method: not provided. Allele origin: germline. Inheritance: Autosomal recessive inheritance. Affected: yes.